The following is an entry in ClinVar:

ClinVar aggregate classification (germline): VUS-high (1 of 4 stars; one submission).

Conditions:
Autosomal recessive titinopathy. Identifiers: MedGen CN315649, MONDO:0100493.

Submission:

Myofin, Folkhalsan Research Center
Classification: VUS-high for Autosomal recessive titinopathy. Last evaluated: 2026-02-06. Review status: criteria provided, single submitter. Criteria: ACMG Guidelines, 2015. Collection method: research. Allele origin: germline. Affected: yes.
Comment: The variant is rare in population databases (absent in gnomAD; no homozygotes reported) and has a high deleterious computational prediction (AlphaMissense 0.9997). Given limited case-level evidence and lack of robust variant-level functional/replication data , we classify this variant as Uncertain significance (VUS-high) for recessive titinopathy.

Literature cited by the submitters: DOI 10.1101/2025.07.17.25331150.

NM_001267550.2(TTN):c.99400T>A (p.Trp33134Arg)

Genes: TTN (titin; minus strand), TTN-AS1 (TTN antisense RNA 1; plus strand). Cytogenetic location: 2q31.2.
Variant type: single nucleotide variant.
Coding change: c.99400T>A on transcript NM_001267550.2 (MANE Select); coding-DNA position 99400, T replaced by A.
Protein change: p.Trp33134Arg; replaces tryptophan 33134 with arginine.
Molecular consequence: missense variant.
Genome position (GRCh38, 1-based): chr2:178,537,807, A>T on the plus strand (T>A on the coding strand, the complement: TTN is on the minus strand). VCF-style: chr2-178537807-A-T. GRCh37 (hg19) VCF-style: chr2-179402534-A-T.
Other names: c.94477T>A, p.Trp31493Arg (NM_001256850.1); c.72205T>A, p.Trp24069Arg (NM_003319.4); c.91696T>A, p.Trp30566Arg (NM_133378.4); c.72580T>A, p.Trp24194Arg (NM_133432.3); c.72781T>A, p.Trp24261Arg (NM_133437.4); short protein forms W30566R, W24261R, W24069R, W24194R, W31493R, W33134R.
Identifiers: ClinVar variation 4795236 (VCV004795236.1).